The following is an entry in ClinVar:

NM_004006.3(DMD):c.2098C>T (p.Gln700Ter)

Gene: DMD (dystrophin; minus strand). Cytogenetic location: Xp21.1.
Variant type: single nucleotide variant.
Coding change: c.2098C>T on transcript NM_004006.3 (MANE Select); coding-DNA position 2098, C replaced by T.
Protein change: p.Gln700Ter; replaces glutamine 700 with a stop codon.
Molecular consequence: nonsense.
Genome position (GRCh38, 1-based): chrX:32,545,229, G>A on the plus strand (C>T on the coding strand, the complement: DMD is on the minus strand). VCF-style: chrX-32545229-G-A. GRCh37 (hg19) VCF-style: chrX-32563346-G-A.
Other names: c.2074C>T, p.Gln692Ter (NM_000109.4); c.2086C>T, p.Gln696Ter (NM_004009.3); c.1729C>T, p.Gln577Ter (NM_004010.3); short protein forms Q577*, Q692*, Q696*, Q700*.
Identifiers: ClinVar variation 3724176 (VCV003724176.3), dbSNP rs374577724.

ClinVar aggregate classification (germline): Pathogenic. Review status: criteria provided, multiple submitters, no conflicts (2 of 4 stars). 2 submissions from 2 submitters: Pathogenic (2). Last evaluated 2026-01-28.

Conditions:
Duchenne muscular dystrophy (DMD). Also called: Duchenne Muscular Dystrophy (DMD); MUSCULAR DYSTROPHY, PSEUDOHYPERTROPHIC PROGRESSIVE, DUCHENNE TYPE. Identifiers: Orphanet 98896, MedGen C0013264, MONDO:0010679, OMIM 310200.

Submissions (2):

Labcorp Genetics (formerly Invitae), Labcorp
Classification: Pathogenic for Duchenne muscular dystrophy. Last evaluated: 2026-01-28. Review status: criteria provided, single submitter. Criteria: Invitae Variant Classification Sherloc (09022015). Collection method: clinical testing. Allele origin: germline.
Comment: This sequence change creates a premature translational stop signal (p.Gln700*) in the DMD gene. It is expected to result in an absent or disrupted protein product. Loss-of-function variants in DMD are known to be pathogenic (PMID: 16770791, 25007885). This variant is not present in population databases (gnomAD no frequency). This premature translational stop signal has been observed in individual(s) with Duchenne muscular dystrophy (PMID: 17726484). ClinVar contains an entry for this variant (Variation ID: 3724176). For these reasons, this variant has been classified as Pathogenic.

Institute for Clinical Genetics, University Hospital TU Dresden, University Hospital TU Dresden
Classification: Pathogenic for Duchenne muscular dystrophy. Last evaluated: 2025-05-26. Review status: criteria provided, single submitter. Criteria: ACMG Guidelines, 2015. Collection method: clinical testing. Allele origin: de novo. Affected: yes.
Comment: This nonsense variant in the DMD gene (NM_004006.3:c.2098C>T, p.(Gln700*)) results in the appearance of a premature stop codon and the termination of translation of the corresponding protein in exon 17 of 79. It is highly likely that no protein is produced from the affected allele, as premature degradation of the mRNA via nonsense-mediated mRNA decay (NMD) must be expected. However, the actual functional impact of the variant has not yet been investigated. This variant has been classified as pathogenic once in the ClinVar database and reported in the scientific literature in one individual with DMD (PMID: 17726484). The variant is not listed in the gnomAD v4.1.0 population database. According to current ACMG recommendations for variant assessment (PMIDs 25741868, 30192042), criteria PVS1, PM2_SUP, PS2, and PS4_SUP are met, resulting in a classification as a pathogenic variant (ACMG Class 5).

Literature cited by the submitters: PubMed 16770791 (cited by Labcorp Genetics (formerly Invitae), Labcorp); PubMed 25007885 (cited by Labcorp Genetics (formerly Invitae), Labcorp); PubMed 17726484 (cited by Labcorp Genetics (formerly Invitae), Labcorp).